The following is an entry in ClinVar:

NM_004836.7(EIF2AK3):c.1754A>C (p.Tyr585Ser)

Gene: EIF2AK3 (eukaryotic translation initiation factor 2 alpha kinase 3; minus strand). Cytogenetic location: 2p11.2.
Variant type: single nucleotide variant.
Coding change: c.1754A>C on transcript NM_004836.7 (MANE Select); coding-DNA position 1754, A replaced by C.
Protein change: p.Tyr585Ser; replaces tyrosine 585 with serine.
Molecular consequence: missense variant.
Genome position (GRCh38, 1-based): chr2:88,583,439, T>G on the plus strand (A>C on the coding strand, the complement: EIF2AK3 is on the minus strand). VCF-style: chr2-88583439-T-G. GRCh37 (hg19) VCF-style: chr2-88882957-T-G.
Other names: c.1301A>C, p.Tyr434Ser (NM_001313915.2); short protein forms Y585S, Y434S.
Identifiers: ClinVar variation 1488740 (VCV001488740.5), dbSNP rs1031732785, ClinGen allele CA51491996.
Genomic context (GRCh38, chr2:88,583,439, plus strand): 5'-TTAGGTCATTTCTTCTTTGATTCAGATGGTTGTATTTTATAAGACTCTTACCGTGATATA[T>G]ATCCAGAGTTTTTTATGTCATTCCAGCTACTGTCATTGGCTTCACCACTTACAGAATCAT-3'
Protein context (NP_004827.4, residues 575-595): SSWNDIKNSG[Tyr585Ser]ISRYLTDFEP

ClinVar aggregate classification (germline): Uncertain significance (1 of 4 stars; one submission).

Allele frequency attached by ClinVar (database versions not stated): TOPMed 0.00001; gnomAD exomes below 0.00001.
gnomAD v4.1: 5 of 1,609,598 alleles (0.00031%); highest among the groups gnomAD compares: Admixed American, 0.0017%; no homozygotes.

Submission:

Labcorp Genetics (formerly Invitae), Labcorp
Classification: Uncertain significance. Last evaluated: 2021-09-01. Review status: criteria provided, single submitter. Criteria: Invitae Variant Classification Sherloc (09022015). Collection method: clinical testing. Allele origin: germline.
Comment: This sequence change replaces tyrosine with serine at codon 585 of the EIF2AK3 protein (p.Tyr585Ser). The tyrosine residue is highly conserved and there is a large physicochemical difference between tyrosine and serine. This variant is not present in population databases (ExAC no frequency). This variant has not been reported in the literature in individuals affected with EIF2AK3-related conditions. Algorithms developed to predict the effect of missense changes on protein structure and function are either unavailable or do not agree on the potential impact of this missense change (SIFT: "Tolerated"; PolyPhen-2: "Probably Damaging"; Align-GVGD: "Class C0"). In summary, the available evidence is currently insufficient to determine the role of this variant in disease. Therefore, it has been classified as a Variant of Uncertain Significance.